The following is an entry in ClinVar:

ClinVar aggregate classification (germline): Uncertain significance (1 of 4 stars; one submission).

Allele frequency attached by ClinVar (database versions not stated): TOPMed 0.00001; ExAC 0.00002; gnomAD 0.00002.
gnomAD v4.1: 31 of 1,613,868 alleles (0.0019%); highest among the groups gnomAD compares: Admixed American, 0.015%; no homozygotes.

Submission:

Labcorp Genetics (formerly Invitae), Labcorp
Classification: Uncertain significance. Last evaluated: 2025-09-24. Review status: criteria provided, single submitter. Criteria: Invitae Variant Classification Sherloc (09022015). Collection method: clinical testing. Allele origin: germline.
Comment: This sequence change replaces arginine, which is basic and polar, with lysine, which is basic and polar, at codon 536 of the HMCN1 protein (p.Arg536Lys). This variant is present in population databases (rs763177925, gnomAD 0.02%). This variant has not been reported in the literature in individuals affected with HMCN1-related conditions. ClinVar contains an entry for this variant (Variation ID: 2167861). An algorithm developed to predict the effect of missense changes on protein structure and function outputs the following: PolyPhen-2: "Benign". The lysine amino acid residue is found in multiple mammalian species, which suggests that this missense change does not adversely affect protein function. In summary, the available evidence is currently insufficient to determine the role of this variant in disease. Therefore, it has been classified as a Variant of Uncertain Significance.

NM_031935.3(HMCN1):c.1607G>A (p.Arg536Lys)

Gene: HMCN1 (hemicentin 1; plus strand). Cytogenetic location: 1q31.1.
Variant type: single nucleotide variant.
Coding change: c.1607G>A on transcript NM_031935.3 (MANE Select); coding-DNA position 1607, G replaced by A.
Protein change: p.Arg536Lys; replaces arginine 536 with lysine.
Molecular consequence: missense variant.
Genome position (GRCh38, 1-based): chr1:185,933,603, G>A. VCF-style: chr1-185933603-G-A. GRCh37 (hg19) VCF-style: chr1-185902735-G-A.
Other names: short protein forms R536K.
Identifiers: ClinVar variation 2167861 (VCV002167861.4), dbSNP rs763177925, ClinGen allele CA1291171.